The following is an entry in ClinVar:

ClinVar aggregate classification (germline): Likely benign (1 of 4 stars; one submission).

Conditions:
GLE1-related disorder. Also called: GLE1-related condition; GLE1-related disorders.

gnomAD v4.1: 7 of 1,520,374 alleles (0.00046%); highest among the groups gnomAD compares: Non-Finnish European, 0.00055%; no homozygotes.

Submission:

PreventionGenetics, part of Exact Sciences
Classification: Likely benign for GLE1-related condition. Last evaluated: 2026-06-01. Review status: criteria provided, single submitter. Criteria: ACMG Guidelines, 2015. Collection method: clinical testing. Allele origin: germline.
Comment: This variant is classified as likely benign based on ACMG/AMP sequence variant interpretation guidelines (Richards et al. 2015 PMID: 25741868, with internal and published modifications).

NM_001003722.2(GLE1):c.432A>G (p.Thr144=)

Gene: GLE1 (GLE1 RNA export mediator; plus strand). Cytogenetic location: 9q34.11.
Variant type: single nucleotide variant.
Coding change: c.432A>G on transcript NM_001003722.2 (MANE Select); coding-DNA position 432, A replaced by G.
Protein change: p.Thr144=; no amino-acid change (threonine 144 retained).
Molecular consequence: synonymous variant.
Genome position (GRCh38, 1-based): chr9:128,515,639, A>G. VCF-style: chr9-128515639-A-G. GRCh37 (hg19) VCF-style: chr9-131277918-A-G.
Other names: c.432A>G, p.Thr144= (NM_001411013.1, NM_001499.2).
Identifiers: ClinVar variation 4995179 (VCV004995179.1).